The following is an entry in ClinVar:

NM_000138.5(FBN1):c.5782_5783insATAC (p.Cys1928fs)

Gene: FBN1 (fibrillin 1; minus strand). Cytogenetic location: 15q21.1.
Variant type: Insertion.
Coding change: c.5782_5783insATAC on transcript NM_000138.5 (MANE Select); coding-DNA positions 5782 to 5783, ATAC inserted.
Protein change: p.Cys1928fs; shifts the reading frame from cysteine 1928.
Molecular consequence: frameshift variant.
Genome position: GRCh38 VCF-style: chr15-48446711-C-CGTAT. GRCh37 (hg19) VCF-style: chr15-48738908-C-CGTAT.
Other names: c.5782_5783insATAC, p.Cys1928fs (NM_001406716.1); short protein forms C1928fs.
Identifiers: ClinVar variation 4785491 (VCV004785491.1).
Genomic context (GRCh38, chr15:48,446,711, plus strand): 5'-AAAGAACACATATAAAACTGACTTCCTTTGCTGATGCACAATTTTGCACACGCACCTATA[C>CGTAT]AGTCATTGTTGTGAGAAAGGATGAAACCATGATTGCAGCGGCAGTTGAAGGAACCAATTG-3'

ClinVar aggregate classification (germline): Pathogenic (1 of 4 stars; one submission).

Conditions:
Marfan syndrome (MFS). Also called: FBN1-Related Marfan Syndrome; MARFAN SYNDROME, TYPE I; Marfan syndrome type 1; Marfan's syndrome; Marfan syndrome, classic. Identifiers: Orphanet 284963, Orphanet 558, MedGen C0024796, MONDO:0007947, OMIM 154700.
Familial thoracic aortic aneurysm and aortic dissection (TAAD). Also called: Thoracic aortic aneurysms and dissections. Identifiers: Orphanet 91387, MedGen C4707243, MONDO:0019625.

Submission:

Labcorp Genetics (formerly Invitae), Labcorp
Classification: Pathogenic for Marfan syndrome; Familial thoracic aortic aneurysm and aortic dissection. Last evaluated: 2025-07-06. Review status: criteria provided, single submitter. Criteria: Invitae Variant Classification Sherloc (09022015). Collection method: clinical testing. Allele origin: germline.
Comment: This sequence change creates a premature translational stop signal (p.Cys1928Tyrfs*6) in the FBN1 gene. It is expected to result in an absent or disrupted protein product. Loss-of-function variants in FBN1 are known to be pathogenic (PMID: 17657824, 19293843). This variant is not present in population databases (gnomAD no frequency). This variant has not been reported in the literature in individuals affected with FBN1-related conditions. For these reasons, this variant has been classified as Pathogenic.

Literature cited by the submitters: PubMed 17657824; PubMed 19293843.